The following is an entry in ClinVar:

NM_001008388.5(CISD2):c.118C>T (p.Arg40Trp)

Genes: CISD2 (CDGSH iron sulfur domain 2; plus strand), SLC9B1 (solute carrier family 9 member B1; minus strand). Cytogenetic location: 4q24.
Variant type: single nucleotide variant.
Coding change: c.118C>T on transcript NM_001008388.5 (MANE Select); coding-DNA position 118, C replaced by T.
Protein change: p.Arg40Trp; replaces arginine 40 with tryptophan.
Molecular consequence: missense variant. On other transcripts: 3 prime UTR variant (1), non-coding transcript variant (2).
Genome position (GRCh38, 1-based): chr4:102,885,230, C>T. VCF-style: chr4-102885230-C-T. GRCh37 (hg19) VCF-style: chr4-103806387-C-T.
Other names: c.*3G>A (NM_001100874.3); short protein forms R40W.
Identifiers: ClinVar variation 2129531 (VCV002129531.4), dbSNP rs753403300, ClinGen allele CA3027694.

ClinVar aggregate classification (germline): Uncertain significance (1 of 4 stars; one submission).

Allele frequency attached by ClinVar (database versions not stated): TOPMed below 0.00001; ExAC 0.00001; gnomAD 0.00001.
gnomAD v4.1: 11 of 1,613,810 alleles (0.00068%); highest among the groups gnomAD compares: Middle Eastern, 0.016%; no homozygotes.

Submission:

Labcorp Genetics (formerly Invitae), Labcorp
Classification: Uncertain significance. Last evaluated: 2022-05-15. Review status: criteria provided, single submitter. Criteria: Invitae Variant Classification Sherloc (09022015). Collection method: clinical testing. Allele origin: germline.
Comment: In summary, the available evidence is currently insufficient to determine the role of this variant in disease. Therefore, it has been classified as a Variant of Uncertain Significance. Algorithms developed to predict the effect of missense changes on protein structure and function are either unavailable or do not agree on the potential impact of this missense change (SIFT: "Deleterious"; PolyPhen-2: "Probably Damaging"; Align-GVGD: "Class C0"). This variant has not been reported in the literature in individuals affected with CISD2-related conditions. This variant is present in population databases (rs753403300, gnomAD 0.003%). This sequence change replaces arginine, which is basic and polar, with tryptophan, which is neutral and slightly polar, at codon 40 of the CISD2 protein (p.Arg40Trp).